The following is an entry in ClinVar:

ClinVar aggregate classification (germline): Uncertain significance (1 of 4 stars; one submission).

Submission:

GeneDx
Classification: Uncertain significance. Last evaluated: 2019-11-12. Review status: criteria provided, single submitter. Criteria: GeneDx Variant Classification Process June 2021. Collection method: clinical testing. Allele origin: germline. Affected: yes.
Comment: Has not been previously published as pathogenic or benign to our knowledge; Not observed in large population cohorts (Lek et al., 2016); In silico analysis, which includes protein predictors and evolutionary conservation, supports that this variant does not alter protein structure/function

NM_017636.4(TRPM4):c.1568G>T (p.Gly523Val)

Gene: TRPM4 (transient receptor potential cation channel subfamily M member 4; plus strand). Cytogenetic location: 19q13.33.
Variant type: single nucleotide variant.
Coding change: c.1568G>T on transcript NM_017636.4 (MANE Select); coding-DNA position 1568, G replaced by T.
Protein change: p.Gly523Val; replaces glycine 523 with valine.
Molecular consequence: missense variant. On other transcripts: intron variant (1).
Genome position (GRCh38, 1-based): chr19:49,182,882, G>T. VCF-style: chr19-49182882-G-T. GRCh37 (hg19) VCF-style: chr19-49686139-G-T.
Other names: c.1568G>T, p.Gly523Val (NM_001195227.2); c.1223G>T, p.Gly408Val (NM_001321281.2); c.1046G>T, p.Gly349Val (NM_001321283.2); c.506G>T, p.Gly169Val (NM_001321285.2); c.-1+15G>T (NM_001321282.2); short protein forms G169V, G349V, G408V, G523V.
Identifiers: ClinVar variation 1320535 (VCV001320535.2), dbSNP rs2122937182, ClinGen allele CA406799836.